The following is an entry in ClinVar:

NM_004134.7(HSPA9):c.1881C>T (p.Ser627=)

Gene: HSPA9 (heat shock protein family A (Hsp70) member 9; minus strand). Cytogenetic location: 5q31.2.
Variant type: single nucleotide variant.
Coding change: c.1881C>T on transcript NM_004134.7 (MANE Select); coding-DNA position 1881, C replaced by T.
Protein change: p.Ser627=; no amino-acid change (serine 627 retained).
Molecular consequence: synonymous variant.
Genome position (GRCh38, 1-based): chr5:138,556,533, G>A on the plus strand (C>T on the coding strand, the complement: HSPA9 is on the minus strand). VCF-style: chr5-138556533-G-A. GRCh37 (hg19) VCF-style: chr5-137892222-G-A.
Identifiers: ClinVar variation 788988 (VCV000788988.15), dbSNP rs1042686, ClinGen allele CA3430634.

ClinVar aggregate classification (germline): Benign/Likely benign. Review status: criteria provided, multiple submitters, no conflicts (2 of 4 stars). 3 submissions from 3 submitters: Benign (1); Likely benign (2). Last evaluated 2025-04-01.

Allele frequency attached by ClinVar (database versions not stated): ExAC 0.00126; TOPMed 0.00176; 1000 Genomes Project 0.00180; 1000 Genomes Project 30x 0.00187; gnomAD 0.00115; ESP Exome Variant Server 0.00123.
gnomAD v4.1: 1,464 of 1,613,842 alleles (0.091%); highest among the groups gnomAD compares: East Asian, 0.86%; 6 homozygotes.

Submissions (3):

CeGaT Center for Human Genetics Tuebingen
Classification: Likely benign. Last evaluated: 2025-04-01. Review status: criteria provided, single submitter. Criteria: CeGaT Center For Human Genetics Tuebingen Variant Classification Criteria Version 2. Collection method: clinical testing. Allele origin: germline. Affected: yes. Observed: 1 variant allele.
Comment: HSPA9: BP4, BP7

Blueprint Genetics
Classification: Likely benign. Last evaluated: 2024-11-11. Review status: criteria provided, single submitter. Criteria: ACMG Guidelines, 2015. Collection method: clinical testing. Allele origin: germline.

Labcorp Genetics (formerly Invitae), Labcorp
Classification: Benign. Last evaluated: 2019-12-31. Review status: criteria provided, single submitter. Criteria: Invitae Variant Classification Sherloc (09022015). Collection method: clinical testing. Allele origin: germline.